The following is an entry in ClinVar:

ClinVar aggregate classification (germline): Uncertain significance (1 of 4 stars; one submission).

Submission:

CeGaT Center for Human Genetics Tuebingen
Classification: Uncertain significance. Last evaluated: 2023-10-01. Review status: criteria provided, single submitter. Criteria: CeGaT Center For Human Genetics Tuebingen Variant Classification Criteria Version 2. Collection method: clinical testing. Allele origin: germline. Affected: yes. Observed: 1 variant allele.
Comment: CDH15: PM2, BP4

NM_004933.3(CDH15):c.962T>G (p.Val321Gly)

Gene: CDH15 (cadherin 15; plus strand). Cytogenetic location: 16q24.3.
Variant type: single nucleotide variant.
Coding change: c.962T>G on transcript NM_004933.3 (MANE Select); coding-DNA position 962, T replaced by G.
Protein change: p.Val321Gly; replaces valine 321 with glycine.
Molecular consequence: missense variant.
Genome position (GRCh38, 1-based): chr16:89,188,269, T>G. VCF-style: chr16-89188269-T-G. GRCh37 (hg19) VCF-style: chr16-89254677-T-G.
Other names: short protein forms V321G.
Identifiers: ClinVar variation 2647029 (VCV002647029.24), dbSNP rs2543965334, ClinGen allele CA397139038.